The following is an entry in ClinVar:

ClinVar aggregate classification (germline): Uncertain significance (1 of 4 stars; one submission).

Conditions:
Inclusion body myopathy with Paget disease of bone and frontotemporal dementia type 1. Also called: MULTISYSTEM PROTEINOPATHY 1; Inclusion body myopathy with early-onset Paget disease and frontotemporal dementia 1; Inclusion body myopathy with early-onset Paget disease with or without frontotemporal dementia 1. Identifiers: MedGen C4551951, MONDO:0008178, OMIM 167320.

Allele frequency attached by ClinVar (database versions not stated): gnomAD exomes 0.00001.
gnomAD v4.1: 8 of 1,614,136 alleles (0.0005%); highest among the groups gnomAD compares: Non-Finnish European, 0.00068%; no homozygotes.

Submission:

Molecular Genetics, Royal Melbourne Hospital
Classification: Uncertain significance for Inclusion body myopathy with Paget disease of bone and frontotemporal dementia type 1. Last evaluated: 2024-01-05. Review status: criteria provided, single submitter. Criteria: ACMG Guidelines, 2015. Collection method: clinical testing. Allele origin: germline. Inheritance: Autosomal dominant inheritance.
Comment: This sequence change in VCP is predicted to replace proline with leucine at codon 188, p.(Pro188Leu). The proline residue is highly conserved (100 vertebrates, UCSC), and is located in the CDC48 domain. There is a moderate physicochemical difference between proline and leucine. VCP, in which the variant was identified, is a gene that has a low rate of benign missense variation and where pathogenic missense variants are a common mechanism of disease (gnomAD v2.1). This variant is absent from the population database gnomAD v2.1 and v3.1. To our knowledge, this variant is novel and has not been previously reported in the relevant scientific literature or databases. Computational evidence predicts a deleterious effect for the missense substitution (REVEL = 0.763). Based on the classification scheme RMH Modified ACMG/AMP Guidelines v1.6.1, this variant is classified as a VARIANT OF UNCERTAIN SIGNIFICANCE. Following criteria are met: PM2_Supporting, PP2, PP3.

NM_007126.5(VCP):c.563C>T (p.Pro188Leu)

Gene: VCP (valosin containing protein; minus strand). Cytogenetic location: 9p13.3.
Variant type: single nucleotide variant.
Coding change: c.563C>T on transcript NM_007126.5 (MANE Select); coding-DNA position 563, C replaced by T.
Protein change: p.Pro188Leu; replaces proline 188 with leucine.
Molecular consequence: missense variant.
Genome position (GRCh38, 1-based): chr9:35,065,264, G>A on the plus strand (C>T on the coding strand, the complement: VCP is on the minus strand). VCF-style: chr9-35065264-G-A. GRCh37 (hg19) VCF-style: chr9-35065261-G-A.
Other names: c.428C>T, p.Pro143Leu (NM_001354927.2, NM_001354928.2); short protein forms P143L, P188L.
Identifiers: ClinVar variation 3068549 (VCV003068549.1), dbSNP rs1410410076, ClinGen allele CA373288731.